The following is an entry in ClinVar:

ClinVar aggregate classification (germline): Uncertain significance. Review status: criteria provided, multiple submitters, no conflicts (2 of 4 stars). 2 submissions from 2 submitters: Uncertain significance (2). Last evaluated 2026-03-16.

Conditions:
Hereditary cancer-predisposing syndrome. Also called: Hereditary neoplastic syndrome; Neoplastic Syndromes, Hereditary; Tumor predisposition; Hereditary Cancer Syndrome. Identifiers: Orphanet 140162, MedGen C0027672, MeSH D009386, MONDO:0015356.
Hereditary breast ovarian cancer syndrome. Also called: Hereditary breast and ovarian cancer syndrome; Hereditary breast and/or ovarian cancer syndrome; Hereditary breast and ovarian cancer; Hereditary breast and ovarian cancer syndrome (HBOC); BRCA1- and BRCA2-Associated Hereditary Breast and Ovarian Cancer; Breast and ovarian cancer. Identifiers: Orphanet 145, MedGen C0677776, MeSH D061325, MONDO:0003582. Disease mechanism: loss of function.

gnomAD v4.1: 3 of 1,614,184 alleles (0.00019%); highest among the groups gnomAD compares: East Asian, 0.0022%; no homozygotes.

Submissions (2):

Ambry Genetics
Classification: Uncertain significance for Hereditary cancer-predisposing syndrome. Last evaluated: 2026-03-16. Review status: criteria provided, single submitter. Criteria: Ambry Variant Classification Scheme 2023. Collection method: clinical testing. Allele origin: germline.
Comment: The p.T1619A variant (also known as c.4855A>G), located in coding exon 14 of the BRCA1 gene, results from an A to G substitution at nucleotide position 4855. The threonine at codon 1619 is replaced by alanine, an amino acid with similar properties. This amino acid position is not well conserved in available vertebrate species. In addition, the in silico prediction for this alteration is inconclusive. Based on the available evidence, the clinical significance of this variant remains unclear.

Labcorp Genetics (formerly Invitae), Labcorp
Classification: Uncertain significance for Hereditary breast ovarian cancer syndrome. Last evaluated: 2020-05-20. Review status: criteria provided, single submitter. Criteria: Invitae Variant Classification Sherloc (09022015). Collection method: clinical testing. Allele origin: germline.
Comment: This sequence change replaces threonine with alanine at codon 1619 of the BRCA1 protein (p.Thr1619Ala). The threonine residue is weakly conserved and there is a small physicochemical difference between threonine and alanine. In summary, the available evidence is currently insufficient to determine the role of this variant in disease. Therefore, it has been classified as a Variant of Uncertain Significance. Algorithms developed to predict the effect of missense changes on protein structure and function output the following: SIFT: "Tolerated"; PolyPhen-2: "Benign"; Align-GVGD: "Class C0". The alanine amino acid residue is found in multiple mammalian species, suggesting that this missense change does not adversely affect protein function. These predictions have not been confirmed by published functional studies and their clinical significance is uncertain. This variant has not been reported in the literature in individuals with BRCA1-related conditions. This variant is not present in population databases (ExAC no frequency).

NM_007294.4(BRCA1):c.4855A>G (p.Thr1619Ala)

Gene: BRCA1 (BRCA1 DNA repair associated; minus strand). Cytogenetic location: 17q21.31.
Variant type: single nucleotide variant.
Coding change: c.4855A>G on transcript NM_007294.4 (MANE Select); coding-DNA position 4855, A replaced by G.
Protein change: p.Thr1619Ala; replaces threonine 1619 with alanine.
Molecular consequence: missense variant. On other transcripts: non-coding transcript variant (1).
Genome position (GRCh38, 1-based): chr17:43,071,059, T>C on the plus strand (A>G on the coding strand, the complement: BRCA1 is on the minus strand). VCF-style: chr17-43071059-T-C. GRCh37 (hg19) VCF-style: chr17-41223076-T-C.
Other names: c.4642A>G, p.Thr1548Ala (NM_001407571.1, NM_001407900.1, NM_001407902.1 and 12 more transcripts); c.4921A>G, p.Thr1641Ala (NM_001407581.1, NM_001407582.1); c.4918A>G, p.Thr1640Ala (NM_001407583.1, NM_001407585.1, NM_001407587.1 and 1 more transcripts); c.4852A>G, p.Thr1618Ala (NM_001407610.1, NM_001407611.1, NM_001407612.1 and 17 more transcripts); c.4849A>G, p.Thr1617Ala (NM_001407629.1, NM_001407630.1, NM_001407631.1 and 14 more transcripts); c.4795A>G, p.Thr1599Ala (NM_001407649.1); c.4855A>G, p.Thr1619Ala (NM_001407652.1, NM_001407593.1, NM_001407594.1 and 8 more transcripts); c.4777A>G, p.Thr1593Ala (NM_001407653.1, NM_001407654.1, NM_001407655.1); and 70 more; short protein forms T1572A, T1619A, T1640A, T515A, T1323A, T1491A, T1530A, T1548A.
Identifiers: ClinVar variation 1064261 (VCV001064261.11), dbSNP rs2153830785, ClinGen allele CA10591815.
Genomic context (GRCh38, chr17:43,071,059, plus strand): 5'-ATTCTGGCTTCTCCCTGCTCACACTTTCTTCCATTGCATTATACCCAGCAGTATCAGTAG[T>C]ATGAGCAGCAGCTGGACTCTGGGCAGATTCTGCAACTTTCAATTGGGGAACTTTCAATGC-3'
Protein context (NP_009225.1, residues 1609-1629): ESAQSPAAAH[Thr1619Ala]TDTAGYNAME